The following is an entry in ClinVar:

NM_005255.4(GAK):c.3765C>T (p.Ala1255=)

Gene: GAK (cyclin G associated kinase; minus strand). Cytogenetic location: 4p16.3.
Variant type: single nucleotide variant.
Coding change: c.3765C>T on transcript NM_005255.4 (MANE Select); coding-DNA position 3765, C replaced by T.
Protein change: p.Ala1255=; no amino-acid change (alanine 1255 retained).
Molecular consequence: synonymous variant.
Genome position (GRCh38, 1-based): chr4:849,961, G>A on the plus strand (C>T on the coding strand, the complement: GAK is on the minus strand). VCF-style: chr4-849961-G-A. GRCh37 (hg19) VCF-style: chr4-843749-G-A.
Other names: c.3765C>T (NM_005255.2); c.3528C>T, p.Ala1176= (NM_001318134.2).
Identifiers: ClinVar variation 2654529 (VCV002654529.25), dbSNP rs141947839, ClinGen allele CA2797231.

ClinVar aggregate classification (germline): Likely benign. Review status: criteria provided, multiple submitters, no conflicts (2 of 4 stars). 2 submissions from 2 submitters: Likely benign (2). Last evaluated 2025-01-03.

Allele frequency attached by ClinVar (database versions not stated): ExAC 0.00015; ESP Exome Variant Server 0.00015; gnomAD 0.00019; 1000 Genomes Project 0.00020; TOPMed 0.00021; 1000 Genomes Project 30x 0.00031.
gnomAD v4.1: 145 of 1,611,792 alleles (0.009%); highest among the groups gnomAD compares: African/African-American, 0.045%; no homozygotes.

Submissions (2):

Ambry Genetics
Classification: Likely benign. Last evaluated: 2025-01-03. Review status: criteria provided, single submitter. Criteria: Ambry Variant Classification Scheme 2023. Collection method: clinical testing. Allele origin: germline.

CeGaT Center for Human Genetics Tuebingen
Classification: Likely benign. Last evaluated: 2023-01-01. Review status: criteria provided, single submitter. Criteria: CeGaT Center For Human Genetics Tuebingen Variant Classification Criteria Version 2. Collection method: clinical testing. Allele origin: germline. Affected: yes. Observed: 1 variant allele.
Comment: GAK: BP4, BP7